The following is an entry in ClinVar:

ClinVar aggregate classification (germline): Uncertain significance (1 of 4 stars; one submission).

gnomAD v4.1: 17 of 1,613,320 alleles (0.0011%); highest among the groups gnomAD compares: Admixed American, 0.012%; no homozygotes.

Submission:

Women's Health and Genetics/Laboratory Corporation of America, LabCorp
Classification: Uncertain significance. Last evaluated: 2026-06-10. Review status: criteria provided, single submitter. Criteria: LabCorp Variant Classification Summary - May 2015. Collection method: clinical testing. Allele origin: germline.
Comment: Variant summary: KMT2C c.14174+6T>C alters a conserved nucleotide located close to a canonical splice site and therefore could affect mRNA splicing, leading to a significantly altered protein sequence. Consensus agreement among computation tools predict no significant impact on normal splicing. However, these predictions have yet to be confirmed by functional studies. The variant allele was found at a frequency of 2e-05 in 250344 control chromosomes. The available data on variant occurrences in the general population are insufficient to allow any conclusion about variant significance. To our knowledge, no occurrence of c.14174+6T>C in individuals affected with KMT2C-related conditions and no experimental evidence demonstrating its impact on protein function have been reported. No submitters have cited clinical-significance assessments for this variant to ClinVar. Based on the evidence outlined above, the variant was classified as uncertain significance.

NM_170606.3(KMT2C):c.14174+6T>C

Gene: KMT2C (lysine methyltransferase 2C; minus strand). Cytogenetic location: 7q36.1.
Variant type: single nucleotide variant.
Coding change: c.14174+6T>C on transcript NM_170606.3 (MANE Select); 6 bases into the intron after coding-DNA position 14174, T replaced by C.
Molecular consequence: intron variant.
Genome position (GRCh38, 1-based): chr7:152,145,147, A>G on the plus strand (T>C on the coding strand, the complement: KMT2C is on the minus strand). VCF-style: chr7-152145147-A-G. GRCh37 (hg19) VCF-style: chr7-151842232-A-G.
Identifiers: ClinVar variation 4887354 (VCV004887354.1).